The following is an entry in ClinVar:

ClinVar aggregate classification (germline): Uncertain significance. Review status: criteria provided, multiple submitters, no conflicts (2 of 4 stars). 2 submissions from 2 submitters: Uncertain significance (2). Last evaluated 2025-03-14.

Conditions:
Hereditary cancer-predisposing syndrome. Also called: Neoplastic Syndromes, Hereditary; Tumor predisposition; Hereditary Cancer Syndrome; Hereditary neoplastic syndrome. Identifiers: Orphanet 140162, MedGen C0027672, MeSH D009386, MONDO:0015356.

gnomAD v4.1: 1 of 1,613,870 alleles (0.000062%); highest among the groups gnomAD compares: Non-Finnish European, 0.000085%; no homozygotes.

Submissions (2):

Ambry Genetics
Classification: Uncertain significance for Hereditary cancer-predisposing syndrome. Last evaluated: 2025-03-14. Review status: criteria provided, single submitter. Criteria: Ambry Variant Classification Scheme 2023. Collection method: clinical testing. Allele origin: germline.
Comment: The p.A708G variant (also known as c.2123C>G), located in coding exon 13 of the RAD50 gene, results from a C to G substitution at nucleotide position 2123. The alanine at codon 708 is replaced by glycine, an amino acid with similar properties. This amino acid position is not well conserved in available vertebrate species. In addition, this alteration is predicted to be tolerated by in silico analysis. Since supporting evidence is limited at this time, the clinical significance of this alteration remains unclear.

Labcorp Genetics (formerly Invitae), Labcorp
Classification: Uncertain significance for Hereditary cancer-predisposing syndrome. Last evaluated: 2024-07-22. Review status: criteria provided, single submitter. Criteria: Invitae Variant Classification Sherloc (09022015). Collection method: clinical testing. Allele origin: germline.
Comment: This sequence change replaces alanine, which is neutral and non-polar, with glycine, which is neutral and non-polar, at codon 708 of the RAD50 protein (p.Ala708Gly). This variant is not present in population databases (gnomAD no frequency). This variant has not been reported in the literature in individuals affected with RAD50-related conditions. ClinVar contains an entry for this variant (Variation ID: 820760). Advanced modeling of protein sequence and biophysical properties (such as structural, functional, and spatial information, amino acid conservation, physicochemical variation, residue mobility, and thermodynamic stability) performed at Invitae indicates that this missense variant is not expected to disrupt RAD50 protein function with a negative predictive value of 80%. In summary, the available evidence is currently insufficient to determine the role of this variant in disease. Therefore, it has been classified as a Variant of Uncertain Significance.

NM_005732.4(RAD50):c.2123C>G (p.Ala708Gly)

Gene: RAD50 (RAD50 double strand break repair protein; plus strand). Cytogenetic location: 5q31.1.
Variant type: single nucleotide variant.
Coding change: c.2123C>G on transcript NM_005732.4 (MANE Select); coding-DNA position 2123, C replaced by G.
Protein change: p.Ala708Gly; replaces alanine 708 with glycine.
Molecular consequence: missense variant.
Genome position (GRCh38, 1-based): chr5:132,595,726, C>G. VCF-style: chr5-132595726-C-G. GRCh37 (hg19) VCF-style: chr5-131931418-C-G.
Other names: short protein forms A708G.
Identifiers: ClinVar variation 820760 (VCV000820760.14), dbSNP rs1035533874, ClinGen allele CA127253172.